The following is an entry in ClinVar:

ClinVar aggregate classification (germline): Benign. Review status: reviewed by expert panel (3 of 4 stars). 19 submissions from 19 submitters: Benign (1). 18 of the submissions do not count toward it. Last evaluated 2018-04-24.

Conditions:
Phenylketonuria (PKU). Also called: Phenylketonuria (PKU); Phenylketonurias; FOLLING DISEASE; OLIGOPHRENIA PHENYLPYRUVICA. Identifiers: Orphanet 716, MedGen C0031485, MONDO:0009861, OMIM 261600. Disease mechanism: loss of function.

Allele frequency attached by ClinVar (database versions not stated): ESP Exome Variant Server 0.18153; gnomAD 0.19782 and 0.21139; TOPMed 0.19824; gnomAD exomes 0.25921 and 0.29057; ExAC 0.29058; 1000 Genomes Project 30x 0.29622; 1000 Genomes Project 0.31490.
gnomAD v4.1: 411,930 of 1,613,724 alleles (26%); highest among the groups gnomAD compares: East Asian, 76%; 61,530 homozygotes.

Submissions (19):

ClinGen PAH Variant Curation Expert Panel
Classification: Benign for Phenylketonuria. Last evaluated: 2018-04-24. Review status: reviewed by expert panel. Criteria: ClinGen PAH ACMG Specifications v1. Collection method: curation. Allele origin: germline. Inheritance: Autosomal recessive inheritance.
Comment: The c.735G>A (p.Val245=) variant in PAH has a MAF of 0.29058 in ExAC (BA1) with 6,524 homozygotes (BS2). This is a synonymous variant, predicted tolerated and benign in SIFT, Polyphen. MutationTaster predicted polymorphism with no abrogation of splice sites (BP4). In summary, this variant meets criteria to be classified as benign.

Labcorp Genetics (formerly Invitae), Labcorp
Classification: Benign for Phenylketonuria. Last evaluated: 2026-02-04. Review status: criteria provided, single submitter. Criteria: Invitae Variant Classification Sherloc (09022015). Collection method: clinical testing. Allele origin: germline. Not counted in ClinVar's aggregate classification.

Laboratory of Genetics, Children's Clinical University Hospital Latvia
Classification: Benign. Last evaluated: 2025-02-16. Review status: criteria provided, single submitter. Criteria: ACMG Guidelines, 2015. Collection method: clinical testing. Allele origin: germline. Affected: yes. Not counted in ClinVar's aggregate classification.

Blueprint Genetics
Classification: Likely benign. Last evaluated: 2024-11-27. Review status: criteria provided, single submitter. Criteria: ACMG Guidelines, 2015. Collection method: clinical testing. Allele origin: germline. Not counted in ClinVar's aggregate classification.

Mayo Clinic Laboratories, Mayo Clinic
Classification: Benign. Last evaluated: 2024-06-20. Review status: criteria provided, single submitter. Criteria: ACMG Guidelines, 2015. Collection method: clinical testing. Allele origin: germline. Observed: 29 variant alleles. Not counted in ClinVar's aggregate classification.
Comment: BA1, BS2, BP4, BP7

Fulgent Genetics
Classification: Benign for Phenylketonuria. Last evaluated: 2021-07-19. Review status: criteria provided, single submitter. Criteria: ACMG Guidelines, 2015. Collection method: clinical testing. Allele origin: unknown. Not counted in ClinVar's aggregate classification.

Pars Genome Lab
Classification: Benign for Phenylketonuria. Last evaluated: 2021-07-01. Review status: criteria provided, single submitter. Criteria: ACMG Guidelines, 2015. Collection method: clinical testing. Allele origin: germline. Affected: no. Not counted in ClinVar's aggregate classification.

Eurofins Ntd Llc (ga)
Classification: Benign. Last evaluated: 2018-02-10. Review status: criteria provided, single submitter. Criteria: EGL ClinVar v180209 classification definitions. Collection method: clinical testing. Allele origin: germline. Observed: 131 variant alleles, 106 heterozygotes, 25 homozygotes. Not counted in ClinVar's aggregate classification.

Illumina Laboratory Services, Illumina
Classification: Benign for Phenylketonuria. Last evaluated: 2018-01-13. Review status: criteria provided, single submitter. Criteria: ICSL Variant Classification Criteria 13 December 2019. Collection method: clinical testing. Allele origin: germline. Not counted in ClinVar's aggregate classification.
Comment: This variant was observed in the ICSL laboratory as part of a predisposition screen in an ostensibly healthy population. It had not been previously curated by ICSL or reported in the Human Gene Mutation Database (HGMD: prior to June 1st, 2018), and was therefore a candidate for classification through an automated scoring system. Utilizing variant allele frequency, disease prevalence and penetrance estimates, and inheritance mode, an automated score was calculated to assess if this variant is too frequent to cause the disease. Based on the score and internal cut-off values, a variant classified as benign is not then subjected to further curation. The score for this variant resulted in a classification of benign for this disease.

Women's Health and Genetics/Laboratory Corporation of America, LabCorp
Classification: Benign. Last evaluated: 2016-04-05. Review status: criteria provided, single submitter. Criteria: LabCorp Variant Classification Summary - May 2015. Collection method: clinical testing. Allele origin: germline. Not counted in ClinVar's aggregate classification.
Comment: Variant summary: The variant of interest causes a synonymous change involving a non-conserved nucleotide with 3/5 Alamut algorithms predicting the creation of a splice donor site. However, these in silico predictions have not been confirmed with functional studies. This variant was found in 35308/121456 control chromosomes (6524 homozygotes) at a frequency of 0.2907061, which exceeds the predicted the maximal expected frequency of a pathogenic PAH allele (0.0079057), highly suggesting this variant is benign. In addition, a reputable clinical laboratory classifies the variant as Benign. The variant of interest is cited as a known common polymorphism in the literature. Taken together, this variant was classified as a Benign variant.

GeneDx
Classification: Benign. Last evaluated: 2015-03-03. Review status: criteria provided, single submitter. Criteria: GeneDx Variant Classification Process June 2021. Collection method: clinical testing. Allele origin: germline. Affected: yes. Not counted in ClinVar's aggregate classification.
Comment: This variant is associated with the following publications: (PMID: 29390883, 32668217)

Genome Diagnostics Laboratory, University Medical Center Utrecht
Classification: Benign for Phenylketonuria. Last evaluated: 2014-10-10. Review status: criteria provided, single submitter. Criteria: ACGS Guidelines, 2013. Collection method: clinical testing. Allele origin: germline. Affected: yes. Study: VKGL Data-share Consensus. Not counted in ClinVar's aggregate classification.

Breakthrough Genomics
Classification: Benign. Review status: criteria provided, single submitter. Criteria: ACMG Guidelines, 2015. Collection method: not provided. Allele origin: germline. Inheritance: Autosomal recessive inheritance. Affected: yes. Not counted in ClinVar's aggregate classification.

Genome-Nilou Lab
Classification: Benign for Phenylketonuria. Review status: criteria provided, single submitter. Criteria: ACMG Guidelines, 2015. Collection method: clinical testing. Allele origin: germline. Inheritance: Autosomal recessive inheritance. Affected: no. Not counted in ClinVar's aggregate classification.

PreventionGenetics, part of Exact Sciences
Classification: Benign. Review status: criteria provided, single submitter. Criteria: ACMG Guidelines, 2015. Collection method: clinical testing. Allele origin: germline. Not counted in ClinVar's aggregate classification.

Natera, Inc.
Classification: Benign for Phenylketonuria. Last evaluated: 2020-09-16. Review status: no assertion criteria provided. Collection method: clinical testing. Allele origin: germline. Not counted in ClinVar's aggregate classification.

DeBelle Laboratory for Biochemical Genetics, MUHC/MCH RESEARCH INSTITUTE
No classification provided. Review status: no classification provided. Collection method: not provided. Allele origin: not provided. Not counted in ClinVar's aggregate classification.

Diagnostic Laboratory, Department of Genetics, University Medical Center Groningen
Classification: Benign for Phenylketonuria. Review status: no assertion criteria provided. Collection method: clinical testing. Allele origin: germline. Affected: yes. Study: VKGL Data-share Consensus. Not counted in ClinVar's aggregate classification.

Joint Genome Diagnostic Labs from Nijmegen and Maastricht, Radboudumc and MUMC+
Classification: Benign. Review status: no assertion criteria provided. Collection method: clinical testing. Allele origin: germline. Affected: yes. Study: VKGL Data-share Consensus. Not counted in ClinVar's aggregate classification.

Literature cited by the submitters: PubMed 22526846 (cited by Women's Health and Genetics/Laboratory Corporation of America, LabCorp); PubMed 17502162 (cited by Women's Health and Genetics/Laboratory Corporation of America, LabCorp).

NM_000277.3(PAH):c.735G>A (p.Val245=)

Gene: PAH (phenylalanine hydroxylase; minus strand). Cytogenetic location: 12q23.2.
Variant type: single nucleotide variant.
Coding change: c.735G>A on transcript NM_000277.3 (MANE Select); coding-DNA position 735, G replaced by A.
Protein change: p.Val245=; no amino-acid change (valine 245 retained).
Molecular consequence: synonymous variant.
Genome position (GRCh38, 1-based): chr12:102,852,922, C>T on the plus strand (G>A on the coding strand, the complement: PAH is on the minus strand). VCF-style: chr12-102852922-C-T. GRCh37 (hg19) VCF-style: chr12-103246700-C-T.
Other names: NM_000277.2(PAH):c.735G>A; c.735G>A, p.Val245= (NM_001354304.2).
Identifiers: ClinVar variation 92748 (VCV000092748.36), dbSNP rs1042503, ClinGen allele CA145982.